The following is an entry in ClinVar:

ClinVar aggregate classification (germline): Uncertain significance. Review status: criteria provided, multiple submitters, no conflicts (2 of 4 stars). 2 submissions from 2 submitters: Uncertain significance (2). Last evaluated 2022-06-29.

Conditions:
Epidermolysis bullosa simplex with nail dystrophy (EBS5D). Identifiers: MedGen C4225309, MONDO:0014661, OMIM 616487.
Epidermolysis bullosa simplex 5C, with pyloric atresia (EBS5C). Also called: PLEC-Related Epidermolysis Bullosa with Pyloric Atresia; Epidermolysis bullosa simplex with pyloric atresia; PLEC1-Related Epidermolysis Bullosa with Pyloric Atresia. Identifiers: Orphanet 158684, MedGen C2677349, MONDO:0012807, OMIM 612138.
Autosomal recessive limb-girdle muscular dystrophy type 2Q (LGMDR17). Also called: MUSCULAR DYSTROPHY, LIMB-GIRDLE, AUTOSOMAL RECESSIVE 17. Identifiers: Orphanet 254361, MedGen C3150989, MONDO:0013390, OMIM 613723.
Epidermolysis bullosa simplex 5B, with muscular dystrophy (EBS5B). Also called: EPIDERMOLYSIS BULLOSA SIMPLEX AND LIMB-GIRDLE MUSCULAR DYSTROPHY; Epidermolysis bullosa simplex with muscular dystrophy. Identifiers: Orphanet 257, MedGen C2931072, MONDO:0009181, OMIM 226670.
Epidermolysis bullosa simplex, Ogna type (EBS5A). Also called: Pidermolysis bullosa simplex 5A, Ogna type; EPIDERMOLYSIS BULLOSA SIMPLEX 5A, OGNA TYPE. Identifiers: Orphanet 79401, MedGen C0432317, MONDO:0007555, OMIM 131950.

Allele frequency attached by ClinVar (database versions not stated): gnomAD exomes below 0.00001; TOPMed 0.00001.
gnomAD v4.1: 2 of 1,605,822 alleles (0.00012%); highest among the groups gnomAD compares: Non-Finnish European, 0.000085%; no homozygotes.

Submissions (2):

Labcorp Genetics (formerly Invitae), Labcorp
Classification: Uncertain significance for Autosomal recessive limb-girdle muscular dystrophy type 2Q; Epidermolysis bullosa simplex, Ogna type; Epidermolysis bullosa simplex with nail dystrophy; Epidermolysis bullosa simplex 5C, with pyloric atresia; Epidermolysis bullosa simplex 5B, with muscular dystrophy. Last evaluated: 2022-06-29. Review status: criteria provided, single submitter. Criteria: Invitae Variant Classification Sherloc (09022015). Collection method: clinical testing. Allele origin: germline.
Comment: This sequence change replaces lysine, which is basic and polar, with glutamic acid, which is acidic and polar, at codon 3950 of the PLEC protein (p.Lys3950Glu). Algorithms developed to predict the effect of missense changes on protein structure and function are either unavailable or do not agree on the potential impact of this missense change (SIFT: "Deleterious"; PolyPhen-2: "Possibly Damaging"; Align-GVGD: "Class C15"). ClinVar contains an entry for this variant (Variation ID: 283681). This variant has not been reported in the literature in individuals affected with PLEC-related conditions. This variant is not present in population databases (gnomAD no frequency). In summary, the available evidence is currently insufficient to determine the role of this variant in disease. Therefore, it has been classified as a Variant of Uncertain Significance.

Eurofins Ntd Llc (ga)
Classification: Uncertain significance. Last evaluated: 2015-10-06. Review status: criteria provided, single submitter. Criteria: EGL Classification Definitions 2015. Collection method: clinical testing. Allele origin: germline. Observed: 1 variant allele, 1 heterozygote.

NM_201384.3(PLEC):c.11767A>G (p.Lys3923Glu)

Gene: PLEC (plectin; minus strand). Cytogenetic location: 8q24.3.
Variant type: single nucleotide variant.
Coding change: c.11767A>G on transcript NM_201384.3 (MANE Select); coding-DNA position 11767, A replaced by G.
Protein change: p.Lys3923Glu; replaces lysine 3923 with glutamic acid.
Molecular consequence: missense variant.
Genome position (GRCh38, 1-based): chr8:143,918,054, T>C on the plus strand (A>G on the coding strand, the complement: PLEC is on the minus strand). VCF-style: chr8-143918054-T-C. GRCh37 (hg19) VCF-style: chr8-144992222-T-C.
Other names: c.11848A>G, p.Lys3950Glu (NM_000445.5); c.11725A>G, p.Lys3909Glu (NM_201378.4); c.11701A>G, p.Lys3901Glu (NM_201379.3); c.12178A>G, p.Lys4060Glu (NM_201380.4); c.11671A>G, p.Lys3891Glu (NM_201381.3); c.11767A>G, p.Lys3923Glu (NM_201382.4); c.11779A>G, p.Lys3927Glu (NM_201383.3); short protein forms K3909E, K3927E, K4060E, K3923E, K3950E, K3901E, K3891E.
Identifiers: ClinVar variation 283681 (VCV000283681.9), dbSNP rs886044814, ClinGen allele CA10604558.